The following is an entry in ClinVar:

NC_000015.10:g.(?_25339117)_(25360547_?)dup

Gene: UBE3A (ubiquitin protein ligase E3A; minus strand). Cytogenetic location: 15q11.2.
Variant type: Duplication.
Identifiers: ClinVar variation 830404 (VCV000830404.8).

ClinVar aggregate classification (germline): Uncertain significance (1 of 4 stars; one submission).

Conditions:
Angelman syndrome (AS). Also called: HAPPY PUPPET SYNDROME. Identifiers: Orphanet 72, MedGen C0162635, MONDO:0007113, OMIM 105830. Disease mechanism: loss of function. Inheritance: imprinting disorder, AS is caused by disruption of maternally imprinted UBE3A located within the 15q11.2-q13 Angelman syndrome/Prader-Willi syndrome (AS/PWS) region..

Submission:

Labcorp Genetics (formerly Invitae), Labcorp
Classification: Uncertain significance for Angelman syndrome. Last evaluated: 2019-05-18. Review status: criteria provided, single submitter. Criteria: Invitae Variant Classification Sherloc (09022015). Collection method: clinical testing. Allele origin: germline.
Comment: This variant results in a copy number gain of the genomic region encompassing exons 4-10 of the UBE3A gene. The 5' boundary is likely confined to intron 3. The 3' end of this event is unknown as it extends beyond the assayed region for this gene and therefore may encompass additional genes. As the precise location of this event is unknown, it may be in tandem or it may be located elsewhere in the genome. In summary, the available evidence is currently insufficient to determine the role of this variant in disease. Therefore, it has been classified as a Variant of Uncertain Significance. Experimental studies are not available for this variant, and the functional significance of a copy number gain of these exons is currently unknown. This variant has not been reported in the literature in individuals with UBE3A-related conditions.